The following is an entry in ClinVar:

ClinVar aggregate classification (germline): Benign. Review status: criteria provided, multiple submitters, no conflicts (2 of 4 stars). 8 submissions from 7 submitters: Benign (8). Last evaluated 2026-01-31.

Conditions:
Neuronopathy, distal hereditary motor, type 2A. Also called: CHARCOT-MARIE-TOOTH DISEASE, SPINAL, IIA; NEURONOPATHY, DISTAL HEREDITARY MOTOR, AUTOSOMAL DOMINANT 2; NEURONOPATHY, DISTAL HEREDITARY MOTOR, HARDING TYPE IIA; NEUROPATHY, DISTAL HEREDITARY MOTOR, HARDING TYPE IIA; SPINAL MUSCULAR ATROPHY, DISTAL, ADULT, AUTOSOMAL DOMINANT, HARDING TYPE IIA; HMN IIA. Identifiers: Orphanet 139525, MedGen C1834692, MONDO:0008025, OMIM 158590.
Charcot-Marie-Tooth disease axonal type 2L. Also called: Charcot-Marie-Tooth Neuropathy Type 2L; CHARCOT-MARIE-TOOTH DISEASE, AXONAL, AUTOSOMAL DOMINANT, TYPE 2L; CHARCOT-MARIE-TOOTH NEUROPATHY, AXONAL, TYPE 2L. Identifiers: Orphanet 99945, MedGen C1837552, MONDO:0012096, OMIM 608673.

Allele frequency attached by ClinVar (database versions not stated): gnomAD 0.02816 and 0.03035; TOPMed 0.03217; gnomAD exomes 0.00273 and 0.00730; 1000 Genomes Project 0.03095; 1000 Genomes Project 30x 0.03310; ExAC 0.00894; ESP Exome Variant Server 0.03168.
gnomAD v4.1: 8,423 of 1,614,086 alleles (0.52%); highest among the groups gnomAD compares: African/African-American, 10%; 387 homozygotes.

Submissions (8):

Labcorp Genetics (formerly Invitae), Labcorp
Classification: Benign for Charcot-Marie-Tooth disease axonal type 2L. Last evaluated: 2026-01-31. Review status: criteria provided, single submitter. Criteria: Invitae Variant Classification Sherloc (09022015). Collection method: clinical testing. Allele origin: germline.

Illumina Laboratory Services, Illumina
Classification: Benign for Neuronopathy, distal hereditary motor, type 2A. Last evaluated: 2018-01-13. Review status: criteria provided, single submitter. Criteria: ICSL Variant Classification Criteria 13 December 2019. Collection method: clinical testing. Allele origin: germline.
Comment: This variant was observed in the ICSL laboratory as part of a predisposition screen in an ostensibly healthy population. It had not been previously curated by ICSL or reported in the Human Gene Mutation Database (HGMD: prior to June 1st, 2018), and was therefore a candidate for classification through an automated scoring system. Utilizing variant allele frequency, disease prevalence and penetrance estimates, and inheritance mode, an automated score was calculated to assess if this variant is too frequent to cause the disease. Based on the score and internal cut-off values, a variant classified as benign is not then subjected to further curation. The score for this variant resulted in a classification of benign for this disease.

Illumina Laboratory Services, Illumina
Classification: Benign for Charcot-Marie-Tooth disease axonal type 2L. Last evaluated: 2018-01-13. Review status: criteria provided, single submitter. Criteria: ICSL Variant Classification Criteria 13 December 2019. Collection method: clinical testing. Allele origin: germline.
Comment: the same text as in the submission from Illumina Laboratory Services, Illumina above.

Athena Diagnostics
Classification: Benign. Last evaluated: 2017-08-04. Review status: criteria provided, single submitter. Criteria: Athena Diagnostics Criteria. Collection method: clinical testing. Allele origin: germline.

Mayo Clinic Laboratories, Mayo Clinic
Classification: Benign. Last evaluated: 2016-05-13. Review status: criteria provided, single submitter. Criteria: ACMG Guidelines, 2015. Collection method: clinical testing. Allele origin: germline. Observed: 16 variant alleles.

GeneDx
Classification: Benign. Last evaluated: 2015-03-03. Review status: criteria provided, single submitter. Criteria: GeneDx Variant Classification Process June 2021. Collection method: clinical testing. Allele origin: germline. Affected: yes.

Breakthrough Genomics
Classification: Benign. Review status: criteria provided, single submitter. Criteria: ACMG Guidelines, 2015. Collection method: not provided. Allele origin: germline. Inheritance: Autosomal dominant inheritance. Affected: yes.

PreventionGenetics, part of Exact Sciences
Classification: Benign. Review status: criteria provided, single submitter. Criteria: ACMG Guidelines, 2015. Collection method: clinical testing. Allele origin: germline.

NM_014365.3(HSPB8):c.402T>C (p.Ile134=)

Gene: HSPB8 (heat shock protein family B (small) member 8; plus strand). Cytogenetic location: 12q24.23.
Variant type: single nucleotide variant.
Coding change: c.402T>C on transcript NM_014365.3 (MANE Select); coding-DNA position 402, T replaced by C.
Protein change: p.Ile134=; no amino-acid change (isoleucine 134 retained).
Molecular consequence: synonymous variant.
Genome position (GRCh38, 1-based): chr12:119,187,059, T>C. VCF-style: chr12-119187059-T-C. GRCh37 (hg19) VCF-style: chr12-119624864-T-C.
Other names: p.Ile134=.
Identifiers: ClinVar variation 260402 (VCV000260402.20), dbSNP rs56323028, ClinGen allele CA6819576.
Genomic context (GRCh38, chr12:119,187,059, plus strand): 5'-ACACGCCACACTTTTCTTCCTTCCAGGCAAACATGAAGAGAAACAGCAAGAAGGTGGCAT[T>C]GTTTCTAAGAACTTCACAAAGAAAATCCAGTAAGTAACCTGGAGTCATGGAGCTCAGGGT-3'
Protein context (NP_055180.1, residues 124-144): KHEEKQQEGG[Ile134=]VSKNFTKKIQ